The following is an entry in ClinVar:

NM_004667.6(HERC2):c.6270G>A (p.Ala2090=)

Gene: HERC2 (HECT and RLD domain containing E3 ubiquitin protein ligase 2; minus strand). Cytogenetic location: 15q13.1.
Variant type: single nucleotide variant.
Coding change: c.6270G>A on transcript NM_004667.6 (MANE Select); coding-DNA position 6270, G replaced by A.
Protein change: p.Ala2090=; no amino-acid change (alanine 2090 retained).
Molecular consequence: synonymous variant.
Genome position (GRCh38, 1-based): chr15:28,214,743, C>T on the plus strand (G>A on the coding strand, the complement: HERC2 is on the minus strand). VCF-style: chr15-28214743-C-T. GRCh37 (hg19) VCF-style: chr15-28459889-C-T.
Identifiers: ClinVar variation 4821588 (VCV004821588.4).
Genomic context (GRCh38, chr15:28,214,743, plus strand): 5'-GGTAGTGAGCAAGCTTCCCAAGAAGTCAAACAGCTTCTCCACGAGGCATTTCATGTCCCT[C>T]GCCCTTTCGGTCTTGTCCCATGATGGAAGGACTGCTTGCAACAAATGCACAGCTAAGATC-3'
Protein context (NP_004658.3, residues 2080-2100): VLPSWDKTER[Ala2090=]RDMKCLVEKL

ClinVar aggregate classification (germline): Likely benign (1 of 4 stars; one submission).

gnomAD v4.1: 77 of 1,611,828 alleles (0.0048%); highest among the groups gnomAD compares: South Asian, 0.033%; no homozygotes.

Submission:

CeGaT Center for Human Genetics Tuebingen
Classification: Likely benign. Last evaluated: 2026-02-01. Review status: criteria provided, single submitter. Criteria: CeGaT Center For Human Genetics Tuebingen Variant Classification Criteria Version 2. Collection method: clinical testing. Allele origin: germline. Affected: yes. Observed: 1 variant allele.
Comment: HERC2: BP4, BP7